The following is an entry in ClinVar:

ClinVar aggregate classification (germline): Uncertain significance (1 of 4 stars; one submission).

Conditions:
Combined immunodeficiency due to STIM1 deficiency. Also called: IMMUNODEFICIENCY 10; STIM1 DEFICIENCY. Identifiers: Orphanet 169090, Orphanet 317430, MedGen C2748557, MONDO:0013008, OMIM 612783.
Myopathy with tubular aggregates (TAM). Also called: Tubular Aggregate Myopathy. Identifiers: Orphanet 2593, MedGen C0410207, MONDO:0008051.
Stormorken syndrome (STRMK). Also called: THROMBOCYTOPATHY, ASPLENIA, AND MIOSIS. Identifiers: Orphanet 3204, MedGen C1861451, MONDO:0008497, OMIM 185070.

Submission:

Labcorp Genetics (formerly Invitae), Labcorp
Classification: Uncertain significance for Myopathy with tubular aggregates; Combined immunodeficiency due to STIM1 deficiency; Stormorken syndrome. Last evaluated: 2023-02-16. Review status: criteria provided, single submitter. Criteria: Invitae Variant Classification Sherloc (09022015). Collection method: clinical testing. Allele origin: germline.
Comment: This variant is not present in population databases (gnomAD no frequency). This sequence change replaces leucine, which is neutral and non-polar, with histidine, which is basic and polar, at codon 23 of the STIM1 protein (p.Leu23His). This variant has not been reported in the literature in individuals affected with STIM1-related conditions. In summary, the available evidence is currently insufficient to determine the role of this variant in disease. Therefore, it has been classified as a Variant of Uncertain Significance. Advanced modeling of protein sequence and biophysical properties (such as structural, functional, and spatial information, amino acid conservation, physicochemical variation, residue mobility, and thermodynamic stability) has been performed at Invitae for this missense variant, however the output from this modeling did not meet the statistical confidence thresholds required to predict the impact of this variant on STIM1 protein function.

NM_001382567.1(STIM1):c.68T>A (p.Leu23His)

Gene: STIM1 (stromal interaction molecule 1; plus strand). Cytogenetic location: 11p15.4.
Variant type: single nucleotide variant.
Coding change: c.68T>A on transcript NM_001382567.1 (MANE Select); coding-DNA position 68, T replaced by A.
Protein change: p.Leu23His; replaces leucine 23 with histidine.
Molecular consequence: missense variant. On other transcripts: 5 prime UTR variant (1), non-coding transcript variant (3), intron variant (10).
Genome position (GRCh38, 1-based): chr11:3,856,338, T>A. VCF-style: chr11-3856338-T-A. GRCh37 (hg19) VCF-style: chr11-3877568-T-A.
Other names: c.68T>A, p.Leu23His (NM_001277961.3, NM_001277962.2, NM_001382568.1 and 3 more transcripts); c.64T>A, p.Ser22Thr (NM_001382569.1); c.-170T>A (NM_001382571.1); c.-84+1602T>A (NM_001382578.1, NM_001382575.1, NM_001382574.1); c.-220+1602T>A (NM_001382580.1, NM_001382581.1); c.-84+1684T>A (NM_001382576.1); c.-84+922T>A (NM_001382566.1, NM_001382579.1, NM_001382577.1 and 1 more transcripts); short protein forms L23H, S22T.
Identifiers: ClinVar variation 2941846 (VCV002941846.3), dbSNP rs2496539375, ClinGen allele CA379196408.